The following is an entry in ClinVar:

NM_004006.3(DMD):c.10223+3del

Gene: DMD (dystrophin; minus strand). Cytogenetic location: Xp21.2.
Variant type: Deletion.
Coding change: c.10223+3del on transcript NM_004006.3 (MANE Select); 3 bases into the intron after coding-DNA position 10223, one base deleted (G; older notation c.10223+3delG).
Molecular consequence: intron variant. On other transcripts: frameshift variant (1).
Genome position (GRCh38, 1-based): chrX:31,178,666, C deleted on the plus strand (G on the coding strand, the reverse complement: DMD is on the minus strand). VCF-style (leftmost placement, unchanged base first): chrX-31178665-TC-T. GRCh37 (hg19) VCF-style: chrX-31196782-TC-T.
Other names: c.1022del, p.Thr340_Ter341insTer (NM_004019.3); c.10199+3del (NM_000109.4); c.6200+3del (NM_004011.4); c.6191+3del (NM_004012.4); c.2843+3del (NM_004023.3, NM_004020.4, NM_004022.3 and 2 more transcripts); c.2036+3del (NM_004014.3); c.1019+3del (NM_004018.3, NM_004017.3, NM_004016.3 and 1 more transcripts); c.10211+3del (NM_004009.3); and 1 more.
Identifiers: ClinVar variation 3724134 (VCV003724134.2).

ClinVar aggregate classification (germline): Uncertain significance (1 of 4 stars; one submission).

Conditions:
Duchenne muscular dystrophy (DMD). Also called: Duchenne Muscular Dystrophy (DMD); MUSCULAR DYSTROPHY, PSEUDOHYPERTROPHIC PROGRESSIVE, DUCHENNE TYPE. Identifiers: Orphanet 98896, MedGen C0013264, MONDO:0010679, OMIM 310200.

Submission:

Labcorp Genetics (formerly Invitae), Labcorp
Classification: Uncertain significance for Duchenne muscular dystrophy. Last evaluated: 2024-02-07. Review status: criteria provided, single submitter. Criteria: Invitae Variant Classification Sherloc (09022015). Collection method: clinical testing. Allele origin: germline.
Comment: This sequence change falls in intron 70 of the DMD gene. It does not directly change the encoded amino acid sequence of the DMD protein. It affects a nucleotide within the consensus splice site. This variant is not present in population databases (gnomAD no frequency). This variant has been observed in individual(s) with Duchenne muscular dystrophy (PMID: 15643612). Variants that disrupt the consensus splice site are a relatively common cause of aberrant splicing (PMID: 17576681, 9536098). Algorithms developed to predict the effect of sequence changes on RNA splicing suggest that this variant may disrupt the consensus splice site. In summary, the available evidence is currently insufficient to determine the role of this variant in disease. Therefore, it has been classified as a Variant of Uncertain Significance.

Literature cited by the submitters: PubMed 15643612; PubMed 17576681; PubMed 9536098.